The following is an entry in ClinVar:

NM_015046.7(SETX):c.6107-7T>A

Gene: SETX (senataxin; minus strand). Cytogenetic location: 9q34.13.
Variant type: single nucleotide variant.
Coding change: c.6107-7T>A on transcript NM_015046.7 (MANE Select); 7 bases into the intron before coding-DNA position 6107, T replaced by A.
Molecular consequence: intron variant.
Genome position (GRCh38, 1-based): chr9:132,288,658, A>T on the plus strand (T>A on the coding strand, the complement: SETX is on the minus strand). VCF-style: chr9-132288658-A-T. GRCh37 (hg19) VCF-style: chr9-135164045-A-T.
Other names: c.6107-7T>A (NM_001351528.2, NM_001351527.2).
Identifiers: ClinVar variation 1310173 (VCV001310173.5), dbSNP rs766634428, ClinGen allele CA5296828.

ClinVar aggregate classification (germline): Conflicting classifications of pathogenicity. Review status: criteria provided, conflicting classifications (1 of 4 stars). 3 submissions from 3 submitters: Pathogenic (1); Uncertain significance (2). Last evaluated 2026-07-29.

Conditions:
Spinocerebellar ataxia, autosomal recessive, with axonal neuropathy 2 (SCAN2). Also called: Ataxia with Oculomotor Apraxia; ATAXIA-OCULOMOTOR APRAXIA 2; Ataxia-ocular apraxia-2; Ataxia with Oculomotor Apraxia Type 2. Identifiers: Orphanet 64753, MedGen C1853761, MONDO:0018996, OMIM 606002.

gnomAD v4.1: 2 of 1,587,934 alleles (0.00013%); highest among the groups gnomAD compares: African/African-American, 0.0013%; no homozygotes.

Submissions (3):

GeneDx
Classification: Uncertain significance. Last evaluated: 2026-07-29. Review status: criteria provided, single submitter. Criteria: GeneDx Variant Classification Process June 2021. Collection method: clinical testing. Allele origin: germline.
Comment: Not observed at significant frequency in large population cohorts (gnomAD); In silico analysis supports a deleterious effect on splicing; Has not been previously published as pathogenic or benign to our knowledge

Undiagnosed Diseases Network, NIH
Classification: Pathogenic for Spinocerebellar ataxia, autosomal recessive, with axonal neuropathy 2. Last evaluated: 2026-07-28. Review status: criteria provided, single submitter. Criteria: ACMG Guidelines, 2015. Collection method: clinical testing. Allele origin: maternal. Inheritance: Autosomal recessive inheritance. Affected: yes. Observed: 1 variant allele, 1 compound heterozygote. Study: Undiagnosed Diseases Network, UDN.

Baylor Genetics
Classification: Uncertain significance for Spinocerebellar ataxia, autosomal recessive, with axonal neuropathy 2. Last evaluated: 2022-08-16. Review status: criteria provided, single submitter. Criteria: ACMG Guidelines, 2015. Collection method: clinical testing. Allele origin: unknown.